The following is an entry in ClinVar:

ClinVar aggregate classification (germline): Pathogenic (1 of 4 stars; one submission).

Conditions:
Hereditary cancer-predisposing syndrome. Also called: Hereditary Cancer Syndrome; Neoplastic Syndromes, Hereditary; Hereditary neoplastic syndrome; Tumor predisposition. Identifiers: Orphanet 140162, MedGen C0027672, MeSH D009386, MONDO:0015356.

Submission:

Ambry Genetics
Classification: Pathogenic for Hereditary cancer-predisposing syndrome. Last evaluated: 2023-02-23. Review status: criteria provided, single submitter. Criteria: Ambry Variant Classification Scheme 2023. Collection method: clinical testing. Allele origin: germline.
Comment: The c.93delC pathogenic mutation, located in coding exon 1 of the APC gene, results from a deletion of one nucleotide at nucleotide position 93, causing a translational frameshift with a predicted alternate stop codon (p.N32Ifs*13). This variant is considered to be rare based on population cohorts in the Genome Aggregation Database (gnomAD). This alteration is expected to result in loss of function by premature protein truncation or nonsense-mediated mRNA decay. As such, this alteration is interpreted as a disease-causing mutation. However, alterations that result in premature termination in coding exon 1 are associated with an attenuated phenotype and may have reduced penetrance compared to classic familial adenomatous polyposis syndrome. Clinical correlation is advised.

NM_000038.6(APC):c.93del (p.Asn32fs)

Gene: APC (APC regulator of Wnt signaling pathway; plus strand). Cytogenetic location: 5q22.2.
Variant type: Deletion.
Coding change: c.93del on transcript NM_000038.6 (MANE Select); coding-DNA position 93, one base deleted (C; older notation c.93delC).
Protein change: p.Asn32fs; shifts the reading frame from asparagine 32.
Molecular consequence: frameshift variant. On other transcripts: 5 prime UTR variant (1), intron variant (8).
Genome position (GRCh38, 1-based): chr5:112,754,983, C deleted; the last of 2 consecutive C bases (chr5:112,754,982-112,754,983); deleting either gives the same sequence. VCF-style (leftmost placement, unchanged base first): chr5-112754981-TC-T. GRCh37 (hg19) VCF-style: chr5-112090678-TC-T.
Other names: c.93del, p.Asn32fs (NM_001127510.3, NM_001354895.2, NM_001354896.2 and 2 more transcripts); c.-943del (NM_001354906.2); c.166-11343del (NM_001354897.2, NM_001354902.2, NM_001127511.3); c.61-11343del (NM_001354898.2, NM_001354904.2); c.-42-11343del (NM_001354900.2, NM_001354901.2, NM_001354905.2); short protein forms N32fs.
Identifiers: ClinVar variation 428113 (VCV000428113.5), dbSNP rs1114167561, ClinGen allele CA645369346.